The following is an entry in ClinVar:

ClinVar aggregate classification (germline): Benign/Likely benign. Review status: criteria provided, multiple submitters, no conflicts (2 of 4 stars). 2 submissions from 2 submitters: Benign (1); Likely benign (1). Last evaluated 2025-12-03.

Allele frequency attached by ClinVar (database versions not stated): gnomAD 0.00003 and 0.00004; TOPMed 0.00005; gnomAD exomes 0.00016; ExAC 0.00017; 1000 Genomes Project 0.00040; 1000 Genomes Project 30x 0.00047.
gnomAD v4.1: 127 of 1,613,490 alleles (0.0079%); highest among the groups gnomAD compares: East Asian, 0.28%; no homozygotes.

Submissions (2):

Labcorp Genetics (formerly Invitae), Labcorp
Classification: Benign. Last evaluated: 2025-12-03. Review status: criteria provided, single submitter. Criteria: Invitae Variant Classification Sherloc (09022015). Collection method: clinical testing. Allele origin: germline.

GeneDx
Classification: Likely benign. Last evaluated: 2017-12-21. Review status: criteria provided, single submitter. Criteria: GeneDx Variant Classification (06012015). Collection method: clinical testing. Allele origin: germline. Affected: yes.
Comment: This variant is considered likely benign or benign based on one or more of the following criteria: it is a conservative change, it occurs at a poorly conserved position in the protein, it is predicted to be benign by multiple in silico algorithms, and/or has population frequency not consistent with disease.

NM_032380.5(GFM2):c.1815T>C (p.Pro605=)

Gene: GFM2 (GTP dependent ribosome recycling factor mitochondrial 2; minus strand). Cytogenetic location: 5q13.3.
Variant type: single nucleotide variant.
Coding change: c.1815T>C on transcript NM_032380.5 (MANE Select); coding-DNA position 1815, T replaced by C.
Protein change: p.Pro605=; no amino-acid change (proline 605 retained).
Molecular consequence: synonymous variant. On other transcripts: non-coding transcript variant (1).
Genome position (GRCh38, 1-based): chr5:74,726,038, A>G on the plus strand (T>C on the coding strand, the complement: GFM2 is on the minus strand). VCF-style: chr5-74726038-A-G. GRCh37 (hg19) VCF-style: chr5-74021863-A-G.
Other names: c.1911T>C, p.Pro637= (NM_001281302.2); c.1674T>C, p.Pro558= (NM_170691.3).
Identifiers: ClinVar variation 506327 (VCV000506327.2), dbSNP rs201580206, ClinGen allele CA3306426.